The following is an entry in ClinVar:

ClinVar aggregate classification (germline): Pathogenic/Likely pathogenic. Review status: criteria provided, multiple submitters, no conflicts (2 of 4 stars). 2 submissions from 2 submitters: Pathogenic (1); Likely pathogenic (1). Last evaluated 2024-09-05.

Conditions:
Autosomal recessive nonsyndromic hearing loss 3. Also called: NEUROSENSORY NONSYNDROMIC RECESSIVE DEAFNESS 3. Identifiers: Orphanet 90636, MedGen C1838263, MONDO:0010860, OMIM 600316.

Submissions (2):

Labcorp Genetics (formerly Invitae), Labcorp
Classification: Pathogenic. Last evaluated: 2024-09-05. Review status: criteria provided, single submitter. Criteria: Invitae Variant Classification Sherloc (09022015). Collection method: clinical testing. Allele origin: germline.
Comment: This sequence change creates a premature translational stop signal (p.Gln1344*) in the MYO15A gene. It is expected to result in an absent or disrupted protein product. Loss-of-function variants in MYO15A are known to be pathogenic (PMID: 17546645). This variant is not present in population databases (gnomAD no frequency). This premature translational stop signal has been observed in individual(s) with deafness (PMID: 34062854). ClinVar contains an entry for this variant (Variation ID: 1064654). For these reasons, this variant has been classified as Pathogenic.

Neurogenetic Laboratory, Second Faculty of Medicine, Charles University
Classification: Likely pathogenic for Autosomal recessive nonsyndromic hearing loss 3. Last evaluated: 2021-03-30. Review status: criteria provided, single submitter. Criteria: ClinGen HL ACMG Specifications v1. Collection method: clinical testing. Allele origin: germline. Affected: yes.

Literature cited by the submitters: PubMed 17546645 (cited by Labcorp Genetics (formerly Invitae), Labcorp); PubMed 34062854 (cited by Labcorp Genetics (formerly Invitae), Labcorp).

NM_016239.4(MYO15A):c.4030C>T (p.Gln1344Ter)

Gene: MYO15A (myosin XVA; plus strand). Cytogenetic location: 17p11.2.
Variant type: single nucleotide variant.
Coding change: c.4030C>T on transcript NM_016239.4 (MANE Select); coding-DNA position 4030, C replaced by T.
Protein change: p.Gln1344Ter; replaces glutamine 1344 with a stop codon.
Molecular consequence: nonsense.
Genome position (GRCh38, 1-based): chr17:18,127,163, C>T. VCF-style: chr17-18127163-C-T. GRCh37 (hg19) VCF-style: chr17-18030477-C-T.
Other names: short protein forms Q1344*.
Identifiers: ClinVar variation 1064654 (VCV001064654.3), dbSNP rs2142283941, ClinGen allele CA398590861.
Genomic context (GRCh38, chr17:18,127,163, plus strand): 5'-GCCACCAAGCTGATTCTGCGCTACCTGGCCGCCATGAACCAGAAACGGGAGGTCATGCAG[C>T]AGGTGAGTCTACCTGTCTCCCCAGGACCCTAGGCTGAACACCCTTTGATAAGCACACCTC-3'